The following is an entry in ClinVar:

ClinVar aggregate classification (germline): Uncertain significance (1 of 4 stars; one submission).

Conditions:
Autosomal dominant nonsyndromic hearing loss 1. Also called: KONIGSMARK SYNDROME; DEAFNESS, AUTOSOMAL DOMINANT 1, WITH OR WITHOUT THROMBOCYTOPENIA. Identifiers: Orphanet 90635, MedGen C1852282, MONDO:0007424, OMIM 124900.
Progressive microcephaly-seizures-cortical blindness-developmental delay syndrome. Also called: Seizures, cortical blindness, and microcephaly syndrome. Identifiers: Orphanet 477814, MedGen C5567650, MONDO:0014714, OMIM 616632.

Submission:

Labcorp Genetics (formerly Invitae), Labcorp
Classification: Uncertain significance for Progressive microcephaly-seizures-cortical blindness-developmental delay syndrome; Autosomal dominant nonsyndromic hearing loss 1. Last evaluated: 2024-12-24. Review status: criteria provided, single submitter. Criteria: Invitae Variant Classification Sherloc (09022015). Collection method: clinical testing. Allele origin: germline.
Comment: This sequence change replaces arginine, which is basic and polar, with glutamine, which is neutral and polar, at codon 21 of the DIAPH1 protein (p.Arg21Gln). The frequency data for this variant in the population databases is considered unreliable, as metrics indicate poor data quality at this position in the gnomAD database. This variant has not been reported in the literature in individuals affected with DIAPH1-related conditions. ClinVar contains an entry for this variant (Variation ID: 2929143). Experimental studies and prediction algorithms are not available or were not evaluated, and the functional significance of this variant is currently unknown. In summary, the available evidence is currently insufficient to determine the role of this variant in disease. Therefore, it has been classified as a Variant of Uncertain Significance.

NM_005219.5(DIAPH1):c.62G>A (p.Arg21Gln)

Gene: DIAPH1 (diaphanous related formin 1; minus strand). Cytogenetic location: 5q31.3.
Variant type: single nucleotide variant.
Coding change: c.62G>A on transcript NM_005219.5 (MANE Select); coding-DNA position 62, G replaced by A.
Protein change: p.Arg21Gln; replaces arginine 21 with glutamine.
Molecular consequence: missense variant.
Genome position (GRCh38, 1-based): chr5:141,618,853, C>T on the plus strand (G>A on the coding strand, the complement: DIAPH1 is on the minus strand). VCF-style: chr5-141618853-C-T. GRCh37 (hg19) VCF-style: chr5-140998420-C-T.
Other names: c.62G>A, p.Arg21Gln (NM_001079812.3, NM_001314007.2); short protein forms R21Q.
Identifiers: ClinVar variation 2929143 (VCV002929143.3), dbSNP rs1187065983, ClinGen allele CA361508655.